The following is an entry in ClinVar:

NM_001370259.2(MEN1):c.1666G>T (p.Glu556Ter)

Gene: MEN1 (menin 1; minus strand). Cytogenetic location: 11q13.1.
Variant type: single nucleotide variant.
Coding change: c.1666G>T on transcript NM_001370259.2 (MANE Select); coding-DNA position 1666, G replaced by T.
Protein change: p.Glu556Ter; replaces glutamic acid 556 with a stop codon.
Molecular consequence: nonsense.
Genome position (GRCh38, 1-based): chr11:64,804,501, C>A on the plus strand (G>T on the coding strand, the complement: MEN1 is on the minus strand). VCF-style: chr11-64804501-C-A. GRCh37 (hg19) VCF-style: chr11-64571973-C-A.
Other names: c.1681G>T, p.Glu561Ter (NM_000244.4, NM_130800.3, NM_130801.3 and 3 more transcripts); c.1792G>T, p.Glu598Ter (NM_001370251.2); c.1666G>T, p.Glu556Ter (NM_001370260.2, NM_001370261.2, NM_130799.3); c.1561G>T, p.Glu521Ter (NM_001370262.2, NM_001370263.2); short protein forms E556*, E561*, E598*, E521*.
Identifiers: ClinVar variation 428041 (VCV000428041.7), dbSNP rs1114167501, ClinGen allele CA381177791.

ClinVar aggregate classification (germline): Pathogenic. Review status: criteria provided, multiple submitters, no conflicts (2 of 4 stars). 2 submissions from 2 submitters: Pathogenic (2). Last evaluated 2025-09-09.

Conditions:
Hereditary cancer-predisposing syndrome. Also called: Hereditary neoplastic syndrome; Tumor predisposition; Neoplastic Syndromes, Hereditary; Hereditary Cancer Syndrome. Identifiers: Orphanet 140162, MedGen C0027672, MeSH D009386, MONDO:0015356.
Multiple endocrine neoplasia, type 1 (MEN1). Also called: MEN I; Endocrine adenomatosis multiple; MEN 1; WERMER SYNDROME; MEA I. Identifiers: Orphanet 652, MedGen C0025267, MeSH D018761, MONDO:0007540, OMIM 131100.

Submissions (2):

Women's Health and Genetics/Laboratory Corporation of America, LabCorp
Classification: Pathogenic for Multiple endocrine neoplasia, type 1. Last evaluated: 2025-09-09. Review status: criteria provided, single submitter. Criteria: LabCorp Variant Classification Summary - May 2015. Collection method: clinical testing. Allele origin: germline.
Comment: Variant summary: MEN1 c.1666G>T (p.Glu556X) results in a premature termination codon, predicted to cause a truncation of the encoded protein, although nonsense mediated decay is not predicted pathogenic variants have been observed downstream in our laboratory. The variant was absent in 251390 control chromosomes. c.1666G>T has been observed in individual(s) affected with Multiple Endocrine Neoplasia Type 1 (e.g. Jap_2005, Pardi_2017). These data indicate that the variant is likely to be associated with disease. To our knowledge, no experimental evidence demonstrating an impact on protein function has been reported. The following publications have been ascertained in the context of this evaluation (PMID: 15730416, 29036195). ClinVar contains an entry for this variant (Variation ID: 428041). Based on the evidence outlined above, the variant was classified as pathogenic.

Ambry Genetics
Classification: Pathogenic for Hereditary cancer-predisposing syndrome. Last evaluated: 2015-11-22. Review status: criteria provided, single submitter. Criteria: Ambry Variant Classification Scheme 2023. Collection method: clinical testing. Allele origin: germline.
Comment: The p.E556* pathogenic mutation (also known as c.1666G>T) located in coding exon 9 of the MEN1 gene, results from a G to T substitution at nucleotide position 1666. This changes the amino acid from a glutamic acid to a stop codon within coding exon 9. This mutation has been described in an individual with gastrinoma and multiple tumors of the parathyroid gland (Jap TS, et al. Clin. Endocrinol. (Oxf) 2005 Mar; 62(3):336-42). In addition to the clinical information presented in the literature, since premature stop codons are typically deleterious in nature, this alteration is interpreted as a disease-causing mutation (ACMG Recommendations for Standards for Interpretation and Reporting of Sequence Variations. Revision 2007. Genet Med. 2008;10:294).

Literature cited by the submitters: PubMed 15730416 (cited by Women's Health and Genetics/Laboratory Corporation of America, LabCorp and Ambry Genetics); PubMed 29036195 (cited by Women's Health and Genetics/Laboratory Corporation of America, LabCorp).